The following is an entry in ClinVar:

NM_206933.4(USH2A):c.7659G>A (p.Trp2553Ter)

Gene: USH2A (usherin; minus strand). Cytogenetic location: 1q41.
Variant type: single nucleotide variant.
Coding change: c.7659G>A on transcript NM_206933.4 (MANE Select); coding-DNA position 7659, G replaced by A.
Protein change: p.Trp2553Ter; replaces tryptophan 2553 with a stop codon.
Molecular consequence: nonsense.
Genome position (GRCh38, 1-based): chr1:215,888,990, C>T on the plus strand (G>A on the coding strand, the complement: USH2A is on the minus strand). VCF-style: chr1-215888990-C-T. GRCh37 (hg19) VCF-style: chr1-216062332-C-T.
Other names: short protein forms W2553*.
Identifiers: ClinVar variation 3700797 (VCV003700797.2).

ClinVar aggregate classification (germline): Pathogenic (1 of 4 stars; one submission).

Submission:

Labcorp Genetics (formerly Invitae), Labcorp
Classification: Pathogenic. Last evaluated: 2024-02-04. Review status: criteria provided, single submitter. Criteria: Invitae Variant Classification Sherloc (09022015). Collection method: clinical testing. Allele origin: germline.
Comment: This sequence change creates a premature translational stop signal (p.Trp2553*) in the USH2A gene. It is expected to result in an absent or disrupted protein product. Loss-of-function variants in USH2A are known to be pathogenic (PMID: 10729113, 10909849, 20507924, 25649381). This variant is not present in population databases (gnomAD no frequency). This variant has not been reported in the literature in individuals affected with USH2A-related conditions. For these reasons, this variant has been classified as Pathogenic.

Literature cited by the submitters: PubMed 10729113; PubMed 10909849; PubMed 20507924; PubMed 25649381.